The following is an entry in ClinVar:

NM_206933.4(USH2A):c.4587A>C (p.Lys1529Asn)

Gene: USH2A (usherin; minus strand). Cytogenetic location: 1q41.
Variant type: single nucleotide variant.
Coding change: c.4587A>C on transcript NM_206933.4 (MANE Select); coding-DNA position 4587, A replaced by C.
Protein change: p.Lys1529Asn; replaces lysine 1529 with asparagine.
Molecular consequence: missense variant.
Genome position (GRCh38, 1-based): chr1:216,175,292, T>G on the plus strand (A>C on the coding strand, the complement: USH2A is on the minus strand). VCF-style: chr1-216175292-T-G. GRCh37 (hg19) VCF-style: chr1-216348634-T-G.
Other names: c.4587A>C, p.Lys1529Asn (NM_007123.6); short protein forms K1529N.
Identifiers: ClinVar variation 845734 (VCV000845734.10), dbSNP rs756423843, ClinGen allele CA1395687.

ClinVar aggregate classification (germline): Conflicting classifications of pathogenicity. Review status: criteria provided, conflicting classifications (1 of 4 stars). 6 submissions from 6 submitters: Uncertain significance (3); Likely benign (2). 1 of the submissions does not count toward it. Last evaluated 2026-04-20.

Conditions:
Usher syndrome type 2A. Also called: USHER SYNDROME, TYPE IIA; RETINAL DISEASE IN USHER SYNDROME TYPE IIA, MODIFIER OF. Identifiers: Orphanet 231178, Orphanet 886, MedGen C1848634, MONDO:0010169, OMIM 276901.
Inborn genetic diseases. Identifiers: MedGen C0950123, MeSH D030342.
USH2A-related disorder. Also called: USH2A-related condition; USH2A-related disorders. Identifiers: MedGen CN239332.

Allele frequency attached by ClinVar (database versions not stated): gnomAD exomes below 0.00001 and 0.00002; ExAC 0.00003; TOPMed 0.00006; gnomAD 0.00013.
gnomAD v4.1: 43 of 1,613,584 alleles (0.0027%); highest among the groups gnomAD compares: Admixed American, 0.022%; 3 homozygotes.

Submissions (6):

PreventionGenetics, part of Exact Sciences
Classification: Uncertain significance for USH2A-related condition. Last evaluated: 2026-04-20. Review status: criteria provided, single submitter. Criteria: ACMG Guidelines, 2015. Collection method: clinical testing. Allele origin: germline.
Comment: The USH2A c.4587A>C variant is predicted to result in the amino acid substitution p.Lys1529Asn. This variant has been reported in the heterozygous state in an individual with unilateral sensorineural hearing loss (supplementary data, Florentine et al. 2022. PubMed ID: 34515852). An alternate nucleotide change impacting the same amino acid position (p.Lys1529Ile) has been reported in an individual with hearing loss (Supplementary table 3, Sloan-Heggen et al. 2016. PubMed ID: 26969326); however, the individual also had two other potentially causative variants in USH2A. This variant is reported in 0.022% of alleles in individuals of East Asian descent in gnomAD. At this time, the clinical significance of this variant is uncertain due to the absence of conclusive functional and genetic evidence.

Blueprint Genetics
Classification: Likely benign. Last evaluated: 2024-11-25. Review status: criteria provided, single submitter. Criteria: ACMG Guidelines, 2015. Collection method: clinical testing. Allele origin: germline.

Ambry Genetics
Classification: Uncertain significance for Inborn genetic diseases. Last evaluated: 2023-08-08. Review status: criteria provided, single submitter. Criteria: Ambry Variant Classification Scheme 2023. Collection method: clinical testing. Allele origin: germline.

Labcorp Genetics (formerly Invitae), Labcorp
Classification: Uncertain significance. Last evaluated: 2022-10-24. Review status: criteria provided, single submitter. Criteria: Invitae Variant Classification Sherloc (09022015). Collection method: clinical testing. Allele origin: germline.
Comment: This sequence change replaces lysine, which is basic and polar, with asparagine, which is neutral and polar, at codon 1529 of the USH2A protein (p.Lys1529Asn). This variant is present in population databases (rs756423843, gnomAD 0.03%). This variant has not been reported in the literature in individuals affected with USH2A-related conditions. ClinVar contains an entry for this variant (Variation ID: 845734). Advanced modeling of protein sequence and biophysical properties (such as structural, functional, and spatial information, amino acid conservation, physicochemical variation, residue mobility, and thermodynamic stability) performed at Invitae indicates that this missense variant is not expected to disrupt USH2A protein function. In summary, the available evidence is currently insufficient to determine the role of this variant in disease. Therefore, it has been classified as a Variant of Uncertain Significance.

GeneDx
Classification: Likely benign. Last evaluated: 2021-06-15. Review status: criteria provided, single submitter. Criteria: GeneDx Variant Classification Process June 2021. Collection method: clinical testing. Allele origin: germline. Affected: yes.

Natera, Inc.
Classification: Uncertain significance for Usher syndrome type 2A. Last evaluated: 2020-01-24. Review status: no assertion criteria provided. Collection method: clinical testing. Allele origin: germline. Not counted in ClinVar's aggregate classification.